The following is an entry in ClinVar:

NM_000136.3(FANCC):c.338G>C (p.Trp113Ser)

Gene: FANCC (FA complementation group C; minus strand). Cytogenetic location: 9q22.32.
Variant type: single nucleotide variant.
Coding change: c.338G>C on transcript NM_000136.3 (MANE Select); coding-DNA position 338, G replaced by C.
Protein change: p.Trp113Ser; replaces tryptophan 113 with serine.
Molecular consequence: missense variant.
Genome position (GRCh38, 1-based): chr9:95,240,656, C>G on the plus strand (G>C on the coding strand, the complement: FANCC is on the minus strand). VCF-style: chr9-95240656-C-G. GRCh37 (hg19) VCF-style: chr9-98002938-C-G.
Other names: c.338G>C, p.Trp113Ser (NM_001243743.2, NM_001243744.2); short protein forms W113S.
Identifiers: ClinVar variation 418745 (VCV000418745.17), dbSNP rs1064793405, ClinGen allele CA16618892.
Genomic context (GRCh38, chr9:95,240,656, plus strand): 5'-TTTAAATAATCAATTTAATTCAAAGAAGTGCAGAGCAAGATTTACTCTCTTACCTGTATC[C>G]AGGAGTTAAGTTTTGATTGTCCAGAATTCTGTGGTTCTTTGTTAATTAGACAACATAAGC-3'
Protein context (NP_000127.2, residues 103-123): QNSGQSKLNS[Trp113Ser]IQGVLSHILS

ClinVar aggregate classification (germline): Uncertain significance. Review status: criteria provided, multiple submitters, no conflicts (2 of 4 stars). 5 submissions from 5 submitters: Uncertain significance (4). 1 of the submissions does not count toward it. Last evaluated 2025-08-29.

Conditions:
Fanconi anemia complementation group C (FANCC). Also called: FANCONI PANCYTOPENIA, TYPE 3; FACC; Fanconi anemia, group C; FANCC-Related Fanconi Anemia. Identifiers: Orphanet 84, MedGen C3468041, MONDO:0009213, OMIM 227645.
Hereditary cancer-predisposing syndrome. Also called: Hereditary neoplastic syndrome; Tumor predisposition; Neoplastic Syndromes, Hereditary; Hereditary Cancer Syndrome. Identifiers: Orphanet 140162, MedGen C0027672, MeSH D009386, MONDO:0015356.
Fanconi anemia (FA). Also called: Fanconi's anemia. Identifiers: Orphanet 84, MedGen C0015625, MeSH D005199, MONDO:0019391.

Allele frequency attached by ClinVar (database versions not stated): TOPMed 0.00001; gnomAD 0.00003.
gnomAD v4.1: 1 of 1,602,570 alleles (0.000062%); highest among the groups gnomAD compares: African/African-American, 0.0013%; no homozygotes.

Submissions (5):

Ambry Genetics
Classification: Uncertain significance for Hereditary cancer-predisposing syndrome. Last evaluated: 2025-08-29. Review status: criteria provided, single submitter. Criteria: Ambry Variant Classification Scheme 2023. Collection method: clinical testing. Allele origin: germline.

Fulgent Genetics
Classification: Uncertain significance for Fanconi anemia complementation group C. Last evaluated: 2024-03-26. Review status: criteria provided, single submitter. Criteria: ACMG Guidelines, 2015. Collection method: clinical testing. Allele origin: germline.

Labcorp Genetics (formerly Invitae), Labcorp
Classification: Uncertain significance for Fanconi anemia. Last evaluated: 2021-08-31. Review status: criteria provided, single submitter. Criteria: Invitae Variant Classification Sherloc (09022015). Collection method: clinical testing. Allele origin: germline.
Comment: This sequence change replaces tryptophan with serine at codon 113 of the FANCC protein (p.Trp113Ser). The tryptophan residue is highly conserved and there is a large physicochemical difference between tryptophan and serine. This variant is not present in population databases (ExAC no frequency). This variant has not been reported in the literature in individuals affected with FANCC-related conditions. ClinVar contains an entry for this variant (Variation ID: 418745). Algorithms developed to predict the effect of missense changes on protein structure and function are either unavailable or do not agree on the potential impact of this missense change (SIFT: "Deleterious"; PolyPhen-2: "Possibly Damaging"; Align-GVGD: "Class C0"). In summary, the available evidence is currently insufficient to determine the role of this variant in disease. Therefore, it has been classified as a Variant of Uncertain Significance.

GeneDx
Classification: Uncertain significance. Last evaluated: 2015-03-25. Review status: criteria provided, single submitter. Criteria: GeneDx Variant Classification (06012015). Collection method: clinical testing. Allele origin: germline. Affected: yes.
Comment: This variant is denoted FANCC c.338G>C at the cDNA level, p.Trp113Ser (W113S) at the protein level, and results in the change of a Tryptophan to a Serine (TGG>TCG). This variant has not, to our knowledge, been published in the literature as pathogenic or benign. FANCC Trp113Ser was not observed in approximately 6,500 individuals of European and African American ancestry in the NHLBI Exome Sequencing Project, indicating it is not a common benign variant in these populations. Since Tryptophan and Serine differ in polarity, charge, size or other properties, this is considered a non-conservative amino acid substitution. FANCC Trp113Ser occurs at a position that is conserved across species and is located within the region of interaction with RED, FAZF, HSP70 and GRP94 (Gordon 2000). In silico analyses predict that this variant is probably damaging to protein structure and function. Based on currently available information, it is unclear whether FANCC Trp113Ser is pathogenic or benign. We consider it to be a variant of uncertain significance.

Natera, Inc.
Classification: Uncertain significance for Fanconi anemia. Last evaluated: 2018-06-23. Review status: no assertion criteria provided. Collection method: clinical testing. Allele origin: germline. Not counted in ClinVar's aggregate classification.